The following is an entry in ClinVar:

NM_000020.3(ACVRL1):c.200G>A (p.Arg67Gln)

Gene: ACVRL1 (activin A receptor like type 1; plus strand). Cytogenetic location: 12q13.13.
Variant type: single nucleotide variant.
Coding change: c.200G>A on transcript NM_000020.3 (MANE Select); coding-DNA position 200, G replaced by A.
Protein change: p.Arg67Gln; replaces arginine 67 with glutamine.
Molecular consequence: missense variant.
Genome position (GRCh38, 1-based): chr12:51,913,237, G>A. VCF-style: chr12-51913237-G-A. GRCh37 (hg19) VCF-style: chr12-52307021-G-A.
Other names: p.R67Q:CGG>CAG; c.200G>A, p.Arg67Gln (NM_001077401.2); short protein forms R67Q.
Identifiers: ClinVar variation 212803 (VCV000212803.36), dbSNP rs863223414, ClinGen allele CA325011.
Genomic context (GRCh38, chr12:51,913,237, plus strand): 5'-GGGGGGCCTGGTGCACAGTAGTGCTGGTGCGGGAGGAGGGGAGGCACCCCCAGGAACATC[G>A]GGGCTGCGGGAACTTGCACAGGGAGCTCTGCAGGGGGCGCCCCACCGAGTTCGTCAACCA-3'
Protein context (NP_000011.2, residues 57-77): REEGRHPQEH[Arg67Gln]GCGNLHRELC

ClinVar aggregate classification (germline): Pathogenic/Likely pathogenic. Review status: criteria provided, multiple submitters, no conflicts (2 of 4 stars). 10 submissions from 10 submitters: Pathogenic (9); Likely pathogenic (1). Last evaluated 2025-08-09.

Conditions:
Cardiovascular phenotype. Identifiers: MedGen CN230736.
Hereditary hemorrhagic telangiectasia (HHT). Also called: ORW DISEASE; Osler Weber Rendu syndrome; OSLER-RENDU-WEBER DISEASE; Osler hemorrhagic telangiectasia syndrome. Identifiers: Orphanet 774, MedGen C0039445, MONDO:0019180. Disease mechanism: loss of function.
ACVRL1-related disorder. Also called: ACVRL1-related disorders; ACVRL1-related condition.
Telangiectasia, hereditary hemorrhagic, type 2 (HHT2). Also called: ACVRL1-Related Hereditary Hemorrhagic Telangiectasia; Telangiectasia, hereditary hemorrhagic, type II. Identifiers: Orphanet 774, MedGen C1838163, MONDO:0010880, OMIM 600376. Disease mechanism: loss of function.

Submissions (10):

Labcorp Genetics (formerly Invitae), Labcorp
Classification: Pathogenic for Telangiectasia, hereditary hemorrhagic, type 2. Last evaluated: 2025-08-09. Review status: criteria provided, single submitter. Criteria: Invitae Variant Classification Sherloc (09022015). Collection method: clinical testing. Allele origin: germline.
Comment: This sequence change replaces arginine, which is basic and polar, with glutamine, which is neutral and polar, at codon 67 of the ACVRL1 protein (p.Arg67Gln). This variant is not present in population databases (gnomAD no frequency). This missense change has been observed in individuals with hemorrhagic telangiectasia (PMID: 9245985, 15880681, 16706966, 17786384, 18498373, 23722869). ClinVar contains an entry for this variant (Variation ID: 212803). An algorithm developed to predict the effect of missense changes on protein structure and function outputs the following: PolyPhen-2: "Benign". The glutamine amino acid residue is found in multiple mammalian species, which suggests that this missense change does not adversely affect protein function. Experimental studies have shown that this missense change affects ACVRL1 function (PMID: 10187774, 14684682). This variant disrupts the p.Arg67 amino acid residue in ACVRL1. Other variant(s) that disrupt this residue have been determined to be pathogenic (PMID: 17786384, 18285823, 22377182, 22553411). This suggests that this residue is clinically significant, and that variants that disrupt this residue are likely to be disease-causing. For these reasons, this variant has been classified as Pathogenic.

Molecular Genetics, Royal Melbourne Hospital
Classification: Pathogenic for Hereditary hemorrhagic telangiectasia. Last evaluated: 2025-02-06. Review status: criteria provided, single submitter. Criteria: ACMG Guidelines, 2015. Collection method: clinical testing. Allele origin: germline. Inheritance: Autosomal dominant inheritance. Affected: yes.
Comment: This sequence change in ACVRL1 is predicted to replace arginine with glutamine at codon 67, p.(Arg67Gln). The arginine residue is moderately conserved (100 vertebrates, Multiz Alignments) and is not located in an annotated domain. There is a small physicochemical difference between arginine and glutamine. ACVRL1, in which the variant was identified is a gene significantly constrained for missense variation and where pathogenic missense variants are a common mechanism of disease (ClinVar, gnomAD v4.1). This variant is absent from the population database gnomAD v4.1. Clinvar contains an entry for this variant (Variation ID: 212803). This variant has been reported in multiple probands with a phenotype consistent with hereditary haemorrhagic telangiectasia (HHT; PMID: 16706966, 17786384, 18498373) and it is observed to segregate with disease in multiple families (PMID:16706966). At least one individual with this variant satisfied Curacao criteria, and sequencing and large deletion/duplication analysis was performed for ENG and ACVRL1, which is highly specific for HHT (PMID: 31400083). Functional studies assaying intracellular signalling activity and subcellular protein localisation are supportive of a damaging effect on protein function (PMID: 10187774, 14684682). Computational evidence is uninformative for the missense substitution (REVEL = 0.54). Based on the classification scheme RMH Modified ACMG/AMP Guidelines v1.7.1, this variant is classified as PATHOGENIC. Following criteria are met: PM2_Supporting, PP1_Moderate, PP2, PP4_Moderate, PS3_Supporting, PS4

ARUP Laboratories, Molecular Genetics and Genomics, ARUP Laboratories
Classification: Pathogenic for Telangiectasia, hereditary hemorrhagic, type 2. Last evaluated: 2024-11-13. Review status: criteria provided, single submitter. Criteria: ARUP Molecular Germline Variant Investigation Process 2024. Collection method: clinical testing. Allele origin: germline.
Comment: The ACVRL1 c.200G>A; p.Arg67Gln variant (rs863223414, ClinVar Variation ID: 212803) has been reported in multiple unrelated individuals and families with hereditary hemorrhagic telangiectasia (Berg 1997, Canzonieri 2014, Giordano 2006, Lenato 2006, Olivieri 2007, Schulte 2005). This variant is absent from the Genome Aggregation Database (v2.1.1), indicating it is not a common polymorphism. Computational analyses are uncertain whether this variant is neutral or deleterious (REVEL: 0536). Based on available information, this variant is considered pathogenic. References: Berg JN et al. The activin receptor-like kinase 1 gene: genomic structure and mutations in hereditary hemorrhagic telangiectasia type 2. Am J Hum Genet. 1997 Jul;61(1):60-7. PMID: 9245985 Canzonieri C et al. Endoscopic evaluation of gastrointestinal tract in patients with hereditary hemorrhagic telangiectasia and correlation with their genotypes. Genet Med. 2014 Jan;16(1):3-10. PMID 23722869 Giordano P et al. Screening for children from families with Rendu-Osler-Weber disease: from geneticist to clinician. J Thromb Haemost. 2006 Jun;4(6):1237-45. PMID: 16706966 Lenato GM et al. DHPLC-based mutation analysis of ENG and ALK-1 genes in HHT Italian population. Hum Mutat. 2006 Feb;27(2):213-4. PMID: 16429404 Olivieri C et al. Analysis of ENG and ACVRL1 genes in 137 HHT Italian families identifies 76 different mutations (24 novel). Comparison with other European studies. J Hum Genet. 2007;52(10):820-9. PMID: 17786384

Mayo Clinic Laboratories, Mayo Clinic
Classification: Pathogenic. Last evaluated: 2024-10-03. Review status: criteria provided, single submitter. Criteria: ACMG Guidelines, 2015. Collection method: clinical testing. Allele origin: germline. Observed: 6 variant alleles.
Comment: PP1, PP4, PM2_supporting, PM5, PS3_moderate, PS4

Clinical Genetics Laboratory, Skane University Hospital Lund
Classification: Pathogenic. Last evaluated: 2024-03-19. Review status: criteria provided, single submitter. Criteria: ACMG Guidelines, 2015. Collection method: clinical testing. Allele origin: germline. Affected: yes.

GeneDx
Classification: Pathogenic. Last evaluated: 2023-12-26. Review status: criteria provided, single submitter. Criteria: GeneDx Variant Classification Process June 2021. Collection method: clinical testing. Allele origin: germline. Affected: yes.
Comment: Not observed at significant frequency in large population cohorts (gnomAD); Published functional studies demonstrate complete loss of signaling (PMID: 10187774); In silico analysis supports that this missense variant has a deleterious effect on protein structure/function; This variant is associated with the following publications: (PMID: 22028876, 14684682, 9245985, 23722869, 15880681, 22553411, 11484689, 16429404, 27860447, 17786384, 18498373, 10187774, 31400083, 32573726, 35628811, 16706966, 32503579)

Blueprint Genetics
Classification: Pathogenic for ACVRL1-related disorders. Last evaluated: 2023-04-17. Review status: criteria provided, single submitter. Criteria: ACMG Guidelines, 2015. Collection method: clinical testing. Allele origin: germline. Affected: yes. Observed: 4 variant alleles.

Ambry Genetics
Classification: Pathogenic for Cardiovascular phenotype. Last evaluated: 2021-12-03. Review status: criteria provided, single submitter. Criteria: Ambry Variant Classification Scheme 2023. Collection method: clinical testing. Allele origin: germline.
Comment: The p.R67Q pathogenic mutation (also known as c.200G>A), located in coding exon 2 of the ACVRL1 gene, results from a G to A substitution at nucleotide position 200. The arginine at codon 67 is replaced by glutamine, an amino acid with highly similar properties. This mutation has been identified in multiple unrelated individuals with hereditary hemorrhagic telangiectasia (Lenato GM et al. Hum. Mutat., 2006 Feb;27:213-4; Giordano P et al. J. Thromb. Haemost., 2006 Jun;4:1237-45; Olivieri C et al. J. Hum. Genet., 2007 Sep;52:820-9; Zhao Y et al. Mol Genet Genomic Med. 2019 09;7(9):e893). An in vitro functional study demonstrated that this mutation abolished protein signaling (Lux A et al. J. Biol. Chem., 1999 Apr;274:9984-92). This variant is considered to be rare based on population cohorts in the Genome Aggregation Database (gnomAD). Based on the supporting evidence, this alteration is interpreted as a disease-causing mutation.

NIHR Bioresource Rare Diseases, University of Cambridge
Classification: Likely pathogenic for Telangiectasia, hereditary hemorrhagic, type 2. Last evaluated: 2018-01-01. Review status: criteria provided, single submitter. Criteria: ACMG Guidelines, 2015. Collection method: research. Allele origin: unknown. Affected: yes. Observed: 2 variant alleles.
Comment: PM2+PP4+PP5

Juno Genomics, Hangzhou Juno Genomics, Inc
Classification: Pathogenic for Telangiectasia, hereditary hemorrhagic, type 2. Review status: criteria provided, single submitter. Criteria: ACMG Guidelines, 2015. Collection method: clinical testing. Allele origin: germline.
Comment: Absent from controls (or at extremely low frequency if recessive) in Genome Aggregation Database.;Novel missense change at an amino acid residue where a different missense change determined to be pathogenic has been seen before.;The prevalence of the variant in affected individuals is significantly increased compared to the prevalence in controls.;Patient's phenotype or family history is highly specific for a disease with a single genetic etiology.;Well-established in vitro or in vivo functional studies supportive of a damaging effect on the gene or gene product.

Literature cited by the submitters: PubMed 9245985 (cited by Labcorp Genetics (formerly Invitae), Labcorp and Mayo Clinic Laboratories, Mayo Clinic); PubMed 15880681 (cited by Labcorp Genetics (formerly Invitae), Labcorp and Mayo Clinic Laboratories, Mayo Clinic); PubMed 16706966 (cited by 3 submitters); PubMed 17786384 (cited by 3 submitters); PubMed 18498373 (cited by Labcorp Genetics (formerly Invitae), Labcorp and Molecular Genetics, Royal Melbourne Hospital); PubMed 23722869 (cited by Labcorp Genetics (formerly Invitae), Labcorp and Mayo Clinic Laboratories, Mayo Clinic); PubMed 10187774 (cited by 4 submitters); PubMed 14684682 (cited by Labcorp Genetics (formerly Invitae), Labcorp and Mayo Clinic Laboratories, Mayo Clinic); PubMed 18285823 (cited by Labcorp Genetics (formerly Invitae), Labcorp); PubMed 22377182 (cited by Labcorp Genetics (formerly Invitae), Labcorp); PubMed 22553411 (cited by Labcorp Genetics (formerly Invitae), Labcorp); PubMed 31400083 (cited by Molecular Genetics, Royal Melbourne Hospital and Ambry Genetics); PubMed 16429404 (cited by Mayo Clinic Laboratories, Mayo Clinic and Ambry Genetics); PubMed 19508727 (cited by Mayo Clinic Laboratories, Mayo Clinic); PubMed 31450639 (cited by Mayo Clinic Laboratories, Mayo Clinic and Ambry Genetics); PubMed 32503579 (cited by Mayo Clinic Laboratories, Mayo Clinic and Ambry Genetics); PubMed 32573726 (cited by 3 submitters); PubMed 33919892 (cited by Mayo Clinic Laboratories, Mayo Clinic); PubMed 35628811 (cited by Mayo Clinic Laboratories, Mayo Clinic); PubMed 12114496 (cited by Ambry Genetics).